The following is an entry in ClinVar:

NM_001128840.3(CACNA1D):c.3899C>A (p.Pro1300Gln)

Gene: CACNA1D (calcium voltage-gated channel subunit alpha1 D; plus strand). Cytogenetic location: 3p21.1.
Variant type: single nucleotide variant.
Coding change: c.3899C>A on transcript NM_001128840.3 (MANE Select); coding-DNA position 3899, C replaced by A.
Protein change: p.Pro1300Gln; replaces proline 1300 with glutamine.
Molecular consequence: missense variant. On other transcripts: intron variant (1).
Genome position (GRCh38, 1-based): chr3:53,770,001, C>A. VCF-style: chr3-53770001-C-A. GRCh37 (hg19) VCF-style: chr3-53804028-C-A.
Other names: c.3959C>A, p.Pro1320Gln (NM_000720.4); c.3871-423C>A (NM_001128839.3); short protein forms P1320Q, P1300Q.
Identifiers: ClinVar variation 4729118 (VCV004729118.1).

ClinVar aggregate classification (germline): Uncertain significance (1 of 4 stars; one submission).

Submission:

Labcorp Genetics (formerly Invitae), Labcorp
Classification: Uncertain significance. Last evaluated: 2025-10-13. Review status: criteria provided, single submitter. Criteria: Invitae Variant Classification Sherloc (09022015). Collection method: clinical testing. Allele origin: germline.
Comment: This sequence change replaces proline, which is neutral and non-polar, with glutamine, which is neutral and polar, at codon 1320 of the CACNA1D protein (p.Pro1320Gln). This variant is not present in population databases (gnomAD no frequency). This variant has not been reported in the literature in individuals affected with CACNA1D-related conditions. An algorithm developed to predict the effect of missense changes on protein structure and function (PolyPhen-2) suggests that this variant is likely to be tolerated. In summary, the available evidence is currently insufficient to determine the role of this variant in disease. Therefore, it has been classified as a Variant of Uncertain Significance.